The following is an entry in ClinVar:

ClinVar aggregate classification (germline): Uncertain significance. Review status: criteria provided, multiple submitters, no conflicts (2 of 4 stars). 3 submissions from 3 submitters: Uncertain significance (3). Last evaluated 2023-09-19.

Conditions:
Neurodevelopmental disorder with visual defects and brain anomalies. Identifiers: MedGen C5231404, MONDO:0032807, OMIM 618547.

Allele frequency attached by ClinVar (database versions not stated): gnomAD exomes below 0.00001.
gnomAD v4.1: 1 of 1,614,210 alleles (0.000062%); highest among the groups gnomAD compares: Non-Finnish European, 0.000085%; no homozygotes.

Submissions (3):

Labcorp Genetics (formerly Invitae), Labcorp
Classification: Uncertain significance. Last evaluated: 2023-09-19. Review status: criteria provided, single submitter. Criteria: Invitae Variant Classification Sherloc (09022015). Collection method: clinical testing. Allele origin: germline.
Comment: Advanced modeling of protein sequence and biophysical properties (such as structural, functional, and spatial information, amino acid conservation, physicochemical variation, residue mobility, and thermodynamic stability) has been performed at Invitae for this missense variant, however the output from this modeling did not meet the statistical confidence thresholds required to predict the impact of this variant on HK1 protein function. In summary, the available evidence is currently insufficient to determine the role of this variant in disease. Therefore, it has been classified as a Variant of Uncertain Significance. ClinVar contains an entry for this variant (Variation ID: 1030656). This sequence change replaces glycine, which is neutral and non-polar, with serine, which is neutral and polar, at codon 898 of the HK1 protein (p.Gly898Ser). This variant is not present in population databases (gnomAD no frequency). This variant has not been reported in the literature in individuals affected with HK1-related conditions.

Blueprint Genetics
Classification: Uncertain significance. Last evaluated: 2022-05-25. Review status: criteria provided, single submitter. Criteria: ACMG Guidelines, 2015. Collection method: clinical testing. Allele origin: germline.

Baylor Genetics
Classification: Uncertain significance for Neurodevelopmental disorder with visual defects and brain anomalies. Last evaluated: 2020-07-21. Review status: criteria provided, single submitter. Criteria: ACMG Guidelines, 2015. Collection method: clinical testing. Allele origin: de novo. Affected: yes.
Comment: This variant was determined to be of uncertain significance according to ACMG Guidelines, 2015 [PMID:25741868].

NM_000188.3(HK1):c.2692G>A (p.Gly898Ser)

Gene: HK1 (hexokinase 1; plus strand). Cytogenetic location: 10q22.1.
Variant type: single nucleotide variant.
Coding change: c.2692G>A on transcript NM_000188.3 (MANE Select); coding-DNA position 2692, G replaced by A.
Protein change: p.Gly898Ser; replaces glycine 898 with serine.
Molecular consequence: missense variant.
Genome position (GRCh38, 1-based): chr10:69,401,073, G>A. VCF-style: chr10-69401073-G-A. GRCh37 (hg19) VCF-style: chr10-71160829-G-A.
Other names: c.2704G>A, p.Gly902Ser (NM_001322364.2, NM_001358263.1, NM_033497.3 and 1 more transcripts); c.2797G>A, p.Gly933Ser (NM_001322365.2); c.2608G>A, p.Gly870Ser (NM_001322366.1); c.2596G>A, p.Gly866Ser (NM_001322367.1); c.2689G>A, p.Gly897Ser (NM_033496.3); c.2656G>A, p.Gly886Ser (NM_033500.2); short protein forms G866S, G933S, G886S, G898S, G870S, G897S, G902S.
Identifiers: ClinVar variation 1030656 (VCV001030656.6), dbSNP rs1840365658, ClinGen allele CA376918177.